The following is an entry in ClinVar:

ClinVar aggregate classification (germline): Uncertain significance (1 of 4 stars; one submission).

Allele frequency attached by ClinVar (database versions not stated): gnomAD exomes below 0.00001.
gnomAD v4.1: 1 of 1,211,544 alleles (0.000083%); highest among the groups gnomAD compares: Non-Finnish European, 0.00011%; no homozygotes.

Submission:

GeneDx
Classification: Uncertain significance. Last evaluated: 2025-05-22. Review status: criteria provided, single submitter. Criteria: GeneDx Variant Classification Process June 2021. Collection method: clinical testing. Allele origin: germline.
Comment: Has not been previously published as pathogenic or benign to our knowledge; Not observed at significant frequency in large population cohorts (gnomAD); In silico analysis suggests that this missense variant does not alter protein structure/function

NM_014927.5(CNKSR2):c.2462A>G (p.Tyr821Cys)

Gene: CNKSR2 (connector enhancer of kinase suppressor of Ras 2; plus strand). Cytogenetic location: Xp22.12.
Variant type: single nucleotide variant.
Coding change: c.2462A>G on transcript NM_014927.5 (MANE Select); coding-DNA position 2462, A replaced by G.
Protein change: p.Tyr821Cys; replaces tyrosine 821 with cysteine.
Molecular consequence: missense variant.
Genome position (GRCh38, 1-based): chrX:21,609,387, A>G. VCF-style: chrX-21609387-A-G. GRCh37 (hg19) VCF-style: chrX-21627505-A-G.
Other names: c.2372A>G, p.Tyr791Cys (NM_001168647.3, NM_001330773.2); c.2462A>G, p.Tyr821Cys (NM_001168648.3); c.2315A>G, p.Tyr772Cys (NM_001168649.3, NM_001330770.2); c.2225A>G, p.Tyr742Cys (NM_001330771.2, NM_001330772.2); short protein forms Y742C, Y772C, Y791C, Y821C.
Identifiers: ClinVar variation 2580015 (VCV002580015.2), dbSNP rs2519359905, ClinGen allele CA412559152.